The following is an entry in ClinVar:

NM_004629.2(FANCG):c.1573G>T (p.Val525Leu)

Gene: FANCG (FA complementation group G; minus strand). Cytogenetic location: 9p13.3.
Variant type: single nucleotide variant.
Coding change: c.1573G>T on transcript NM_004629.2 (MANE Select); coding-DNA position 1573, G replaced by T.
Protein change: p.Val525Leu; replaces valine 525 with leucine.
Molecular consequence: missense variant.
Genome position (GRCh38, 1-based): chr9:35,074,990, C>A on the plus strand (G>T on the coding strand, the complement: FANCG is on the minus strand). VCF-style: chr9-35074990-C-A. GRCh37 (hg19) VCF-style: chr9-35074987-C-A.
Other names: short protein forms V525L.
Identifiers: ClinVar variation 4870973 (VCV004870973.1).

ClinVar aggregate classification (germline): Uncertain significance (1 of 4 stars; one submission).

Conditions:
Inborn genetic diseases. Identifiers: MedGen C0950123, MeSH D030342.

Submission:

Ambry Genetics
Classification: Uncertain significance for Inborn genetic diseases. Last evaluated: 2026-03-15. Review status: criteria provided, single submitter. Criteria: Ambry Variant Classification Scheme 2023. Collection method: clinical testing. Allele origin: germline.
Comment: The p.V525L variant (also known as c.1573G>T), located in coding exon 12 of the FANCG gene, results from a G to T substitution at nucleotide position 1573. The valine at codon 525 is replaced by leucine, an amino acid with highly similar properties. This amino acid position is conserved. In addition, this alteration is predicted to be tolerated by in silico analysis. Based on the available evidence, the clinical significance of this variant remains unclear.